The following is an entry in ClinVar:

ClinVar aggregate classification (germline): Likely benign. Review status: criteria provided, multiple submitters, no conflicts (2 of 4 stars). 3 submissions from 3 submitters: Likely benign (2). 1 of the submissions does not count toward it. Last evaluated 2025-08-10.

Conditions:
KANK1-related disorder. Also called: KANK1-related condition.
Cerebral palsy, spastic quadriplegic, 2 (CPSQ2). Identifiers: Orphanet 210141, MedGen C2752061, MONDO:0013033, OMIM 612900.

Allele frequency attached by ClinVar (database versions not stated): ExAC 0.00004; gnomAD 0.00013; 1000 Genomes Project 30x 0.00016; 1000 Genomes Project 0.00020; TOPMed 0.00039.
gnomAD v4.1: 56 of 1,614,100 alleles (0.0035%); highest among the groups gnomAD compares: Admixed American, 0.038%; no homozygotes.

Submissions (3):

Labcorp Genetics (formerly Invitae), Labcorp
Classification: Likely benign. Last evaluated: 2025-08-10. Review status: criteria provided, single submitter. Criteria: Invitae Variant Classification Sherloc (09022015). Collection method: clinical testing. Allele origin: germline.

Fulgent Genetics
Classification: Likely benign for Cerebral palsy, spastic quadriplegic, 2. Last evaluated: 2021-11-23. Review status: criteria provided, single submitter. Criteria: ACMG Guidelines, 2015. Collection method: clinical testing. Allele origin: unknown.

PreventionGenetics, part of Exact Sciences
Classification: Likely benign for KANK1-related condition. Last evaluated: 2019-08-13. Review status: no assertion criteria provided. Collection method: clinical testing. Allele origin: germline. Not counted in ClinVar's aggregate classification.
Comment: This variant is classified as likely benign based on ACMG/AMP sequence variant interpretation guidelines (Richards et al. 2015 PMID: 25741868, with internal and published modifications).

NM_015158.5(KANK1):c.1533T>C (p.Val511=)

Gene: KANK1 (KN motif and ankyrin repeat domains 1; plus strand). Cytogenetic location: 9p24.3.
Variant type: single nucleotide variant.
Coding change: c.1533T>C on transcript NM_015158.5 (MANE Select); coding-DNA position 1533, T replaced by C.
Protein change: p.Val511=; no amino-acid change (valine 511 retained).
Molecular consequence: synonymous variant. On other transcripts: non-coding transcript variant (1).
Genome position (GRCh38, 1-based): chr9:712,299, T>C. VCF-style: chr9-712299-T-C. GRCh37 (hg19) VCF-style: chr9-712299-T-C.
Other names: c.1533T>C, p.Val511= (NM_001256876.3, NM_001256877.3, NM_001354331.2 and 2 more transcripts); c.1059T>C, p.Val353= (NM_001354333.2, NM_001354335.2, NM_001354336.2 and 9 more transcripts).
Identifiers: ClinVar variation 782524 (VCV000782524.12), dbSNP rs199881654, ClinGen allele CA4960245.
Genomic context (GRCh38, chr9:712,299, plus strand): 5'-GCTGCAGGCTGCTGGATCGAGGAAAAAGGTTGACAAAGCCACGATGGCCCAGCCGCTTGT[T>C]TTCAGTAAGGTGGTGGAGGCAGTGGTGCAGACCAGAGACCAAATGGTCGGCAGTCACATG-3'
Protein context (NP_055973.2, residues 501-521): VDKATMAQPL[Val511=]FSKVVEAVVQ